The following is an entry in ClinVar:

ClinVar aggregate classification (germline): Conflicting classifications of pathogenicity. Review status: criteria provided, conflicting classifications (1 of 4 stars). 4 submissions from 4 submitters: Uncertain significance (1); Benign (1); Likely benign (1). 1 of the submissions does not count toward it. Last evaluated 2024-10-25.

Conditions:
Dihydropyrimidinase deficiency (DPYSD). Also called: DPH DEFICIENCY; DPYS DEFICIENCY; dihydropyrimidinuria. Identifiers: Orphanet 38874, MedGen C0342803, MONDO:0009111, OMIM 222748.
DPYS-related disorder. Also called: DPYS-related condition.

Allele frequency attached by ClinVar (database versions not stated): gnomAD 0.00011 and 0.00015; TOPMed 0.00015; 1000 Genomes Project 0.00040; gnomAD exomes 0.00057; 1000 Genomes Project 30x 0.00078; ExAC 0.00148.
gnomAD v4.1: 303 of 1,535,720 alleles (0.02%); highest among the groups gnomAD compares: South Asian, 0.15%; 1 homozygote.

Submissions (4):

Blueprint Genetics
Classification: Likely benign. Last evaluated: 2024-10-25. Review status: criteria provided, single submitter. Criteria: ACMG Guidelines, 2015. Collection method: clinical testing. Allele origin: germline.

Labcorp Genetics (formerly Invitae), Labcorp
Classification: Benign. Last evaluated: 2023-08-04. Review status: criteria provided, single submitter. Criteria: Invitae Variant Classification Sherloc (09022015). Collection method: clinical testing. Allele origin: germline.

Illumina Laboratory Services, Illumina
Classification: Uncertain significance for Dihydropyrimidinase deficiency. Last evaluated: 2018-01-13. Review status: criteria provided, single submitter. Criteria: ICSL Variant Classification Criteria 13 December 2019. Collection method: clinical testing. Allele origin: germline.

PreventionGenetics, part of Exact Sciences
Classification: Likely benign for DPYS-related condition. Last evaluated: 2019-09-13. Review status: no assertion criteria provided. Collection method: clinical testing. Allele origin: germline. Not counted in ClinVar's aggregate classification.
Comment: This variant is classified as likely benign based on ACMG/AMP sequence variant interpretation guidelines (Richards et al. 2015 PMID: 25741868, with internal and published modifications).

NM_001385.3(DPYS):c.177C>G (p.Val59=)

Gene: DPYS (dihydropyrimidinase; minus strand). Cytogenetic location: 8q22.3.
Variant type: single nucleotide variant.
Coding change: c.177C>G on transcript NM_001385.3 (MANE Select); coding-DNA position 177, C replaced by G.
Protein change: p.Val59=; no amino-acid change (valine 59 retained).
Molecular consequence: synonymous variant.
Genome position (GRCh38, 1-based): chr8:104,466,744, G>C on the plus strand (C>G on the coding strand, the complement: DPYS is on the minus strand). VCF-style: chr8-104466744-G-C. GRCh37 (hg19) VCF-style: chr8-105478972-G-C.
Identifiers: ClinVar variation 908928 (VCV000908928.14), dbSNP rs568135080, ClinGen allele CA4838625.